The following is an entry in ClinVar:

ClinVar aggregate classification (germline): Uncertain significance (1 of 4 stars; one submission).

Conditions:
Hereditary pancreatitis (PCTT). Also called: Hereditary chronic pancreatitis; PRSS1-Related Hereditary Pancreatitis. Identifiers: Orphanet 676, MedGen C0238339, MONDO:0008185, OMIM 167800.

gnomAD v4.1: 1 of 1,614,116 alleles (0.000062%); highest among the groups gnomAD compares: South Asian, 0.0011%; no homozygotes.

Submission:

Ambry Genetics
Classification: Uncertain significance for Hereditary pancreatitis. Last evaluated: 2026-06-20. Review status: criteria provided, single submitter. Criteria: Ambry Variant Classification Scheme 2023. Collection method: clinical testing. Allele origin: germline.
Comment: The p.N349H variant (also known as c.1045A>C), located in coding exon 9 of the CPA1 gene, results from an A to C substitution at nucleotide position 1045. The asparagine at codon 349 is replaced by histidine, an amino acid with similar properties. This amino acid position is conserved. In addition, this alteration is predicted to be tolerated by in silico analysis. Based on the available evidence, the clinical significance of this variant remains unclear.

NM_001868.4(CPA1):c.1045A>C (p.Asn349His)

Gene: CPA1 (carboxypeptidase A1; plus strand). Cytogenetic location: 7q32.2.
Variant type: single nucleotide variant.
Coding change: c.1045A>C on transcript NM_001868.4 (MANE Select); coding-DNA position 1045, A replaced by C.
Protein change: p.Asn349His; replaces asparagine 349 with histidine.
Molecular consequence: missense variant.
Genome position (GRCh38, 1-based): chr7:130,385,896, A>C. VCF-style: chr7-130385896-A-C. GRCh37 (hg19) VCF-style: chr7-130025737-A-C.
Other names: short protein forms N349H.
Identifiers: ClinVar variation 5034903 (VCV005034903.1).